The following is an entry in ClinVar:

NC_000015.10:g.84817169A>T

Gene: ALPK3 (alpha kinase 3; plus strand). Cytogenetic location: 15q25.3.
Variant type: single nucleotide variant.
Genome position: GRCh38 VCF-style: chr15-84817169-A-T. GRCh37 (hg19) VCF-style: chr15-85360400-A-T.
Identifiers: ClinVar variation 4718889 (VCV004718889.1).

ClinVar aggregate classification (germline): Uncertain significance (1 of 4 stars; one submission).

Submission:

Labcorp Genetics (formerly Invitae), Labcorp
Classification: Uncertain significance. Last evaluated: 2025-05-04. Review status: criteria provided, single submitter. Criteria: Invitae Variant Classification Sherloc (09022015). Collection method: clinical testing. Allele origin: germline.
Comment: This sequence change replaces tyrosine, which is neutral and polar, with phenylalanine, which is neutral and non-polar, at codon 108 of the ALPK3 protein (p.Tyr108Phe). This variant is not present in population databases (gnomAD no frequency). This variant has not been reported in the literature in individuals affected with ALPK3-related conditions. An algorithm developed to predict the effect of missense changes on protein structure and function (PolyPhen-2) suggests that this variant is likely to be tolerated. In summary, the available evidence is currently insufficient to determine the role of this variant in disease. Therefore, it has been classified as a Variant of Uncertain Significance.